The following is an entry in ClinVar:

NM_032043.3(BRIP1):c.55dup (p.Tyr19fs)

Gene: BRIP1 (BRCA1 interacting DNA helicase 1; minus strand). Cytogenetic location: 17q23.2.
Variant type: Duplication.
Coding change: c.55dup on transcript NM_032043.3 (MANE Select); coding-DNA position 55, one base duplicated (T; older notation c.55dupT).
Protein change: p.Tyr19fs; shifts the reading frame from tyrosine 19.
Molecular consequence: frameshift variant.
Genome position (GRCh38, 1-based): chr17:61,861,485, A duplicated on the plus strand (T on the coding strand, the reverse complement: BRIP1 is on the minus strand); the first of 2 consecutive A bases (chr17:61,861,485-61,861,486); duplicating either gives the same sequence. VCF-style (leftmost placement, unchanged base first): chr17-61861484-T-TA. GRCh37 (hg19) VCF-style: chr17-59938845-T-TA.
Other names: c.55dupT (NM_032043.2); short protein forms Y19fs.
Identifiers: ClinVar variation 574250 (VCV000574250.22), dbSNP rs1567878148, ClinGen allele CA891844435.
Genomic context (GRCh38, chr17:61,861,484, plus strand): 5'-CTTAACTGCTGAAAAATACTTACAGAATTCATCATAGCAAGCTGTGACGGGTAAGCTTTA[T>TA]AAGGAAAGTAAATCTTCACCCCACCAATTGTATATTCAGACCACATTGAAGACATAGTGC-3'

ClinVar aggregate classification (germline): Pathogenic/Likely pathogenic. Review status: criteria provided, multiple submitters, no conflicts (2 of 4 stars). 7 submissions from 7 submitters: Pathogenic (6); Likely pathogenic (1). Last evaluated 2025-09-19.

Conditions:
BRIP1-related disorder. Also called: BRIP1-related condition; BRIP1-related disorders. Identifiers: MedGen CN239206.
Hereditary cancer-predisposing syndrome. Also called: Neoplastic Syndromes, Hereditary; Tumor predisposition; Hereditary Cancer Syndrome; Hereditary neoplastic syndrome. Identifiers: Orphanet 140162, MedGen C0027672, MeSH D009386, MONDO:0015356.
Fanconi anemia complementation group J. Also called: BRIP1-Related Fanconi Anemia. Identifiers: Orphanet 84, MedGen C1836860, MONDO:0012187, OMIM 609054.
Familial cancer of breast. Also called: Hereditary breast cancer; BREAST CANCER, FAMILIAL; hereditary breast carcinoma. Identifiers: Orphanet 227535, MedGen C0346153, MONDO:0016419, OMIM 114480. Disease mechanism: loss of function.

Submissions (7):

Labcorp Genetics (formerly Invitae), Labcorp
Classification: Pathogenic for Familial cancer of breast; Fanconi anemia complementation group J. Last evaluated: 2025-09-19. Review status: criteria provided, single submitter. Criteria: Invitae Variant Classification Sherloc (09022015). Collection method: clinical testing. Allele origin: germline.
Comment: This sequence change creates a premature translational stop signal (p.Tyr19Leufs*2) in the BRIP1 gene. It is expected to result in an absent or disrupted protein product. Loss-of-function variants in BRIP1 are known to be pathogenic (PMID: 16116423, 17033622, 21964575). This variant is not present in population databases (gnomAD no frequency). This premature translational stop signal has been observed in individual(s) with ovarian cancer (PMID: 26315354). ClinVar contains an entry for this variant (Variation ID: 574250). Algorithms developed to predict the effect of sequence changes on RNA splicing suggest that this variant may disrupt the consensus splice site. For these reasons, this variant has been classified as Pathogenic.

PreventionGenetics, part of Exact Sciences
Classification: Pathogenic for BRIP1-related condition. Last evaluated: 2024-12-09. Review status: criteria provided, single submitter. Criteria: ACMG Guidelines, 2015. Collection method: clinical testing. Allele origin: germline.
Comment: The BRIP1 c.55dupT variant is predicted to result in a frameshift and premature protein termination (p.Tyr19Leufs*2). This variant was reported in an individual with ovarian cancer (Supplementary Table 2, Ramus et al. 2015. PubMed ID: 26315354) and in an individual with urothelial carcinoma (Supplemental Table S1.2, Nassar et al. 2019. PubMed ID: 31844177). This variant has not been reported in a large population database (gnomAD), indicating this variant is rare. This variant is interpreted as likely pathogenic/pathogenic in ClinVar. Frameshift variants in BRIP1 are expected to be pathogenic. This variant is interpreted as pathogenic.

Color Diagnostics, LLC DBA Color Health
Classification: Pathogenic for Hereditary cancer-predisposing syndrome. Last evaluated: 2023-05-31. Review status: criteria provided, single submitter. Criteria: ACMG Guidelines, 2015. Collection method: clinical testing. Allele origin: germline.
Comment: This variant inserts 1 nucleotide in exon 2 of the BRIP1 gene, creating a frameshift and premature translation stop signal. This variant is expected to result in an absent or non-functional protein product. This variant has been reported in an individual affected with ovarian cancer (PMID: 26315354), an individual carrying a MUTYH co-variant and affected with breast cancer (PMID: 36833355), and an individual affected with urothelial carcinoma (PMID: 31844177). This variant has not been identified in the general population by the Genome Aggregation Database (gnomAD). Loss of BRIP1 function is a known mechanism of disease. Based on the available evidence, this variant is classified as Pathogenic.

Myriad Genetics, Inc.
Classification: Pathogenic for Familial cancer of breast. Last evaluated: 2023-05-30. Review status: criteria provided, single submitter. Criteria: Myriad Autosomal Dominant, Autosomal Recessive and X-Linked Classification Criteria (2023). Collection method: clinical testing. Allele origin: unknown.
Comment: This variant is considered pathogenic. This variant creates a frameshift predicted to result in premature protein truncation.

Ambry Genetics
Classification: Pathogenic for Hereditary cancer-predisposing syndrome. Last evaluated: 2023-04-03. Review status: criteria provided, single submitter. Criteria: Ambry Variant Classification Scheme 2023. Collection method: clinical testing. Allele origin: germline.
Comment: The c.55dupT pathogenic mutation, located in coding exon 1 of the BRIP1 gene, results from a duplication of T at nucleotide position 55, causing a translational frameshift with a predicted alternate stop codon (p.Y19Lfs*2). In one study, this alteration was observed in 1/3236 cases with invasive epithelial ovarian cancer and 0/3431 controls (Ramus SJ et al. J. Natl. Cancer Inst., 2015 Nov;107:). This variant is considered to be rare based on population cohorts in the Genome Aggregation Database (gnomAD). In addition to the clinical data presented in the literature, this alteration is expected to result in loss of function by premature protein truncation or nonsense-mediated mRNA decay. As such, this alteration is interpreted as a disease-causing mutation.

Baylor Genetics
Classification: Pathogenic for Familial cancer of breast. Last evaluated: 2021-12-16. Review status: criteria provided, single submitter. Criteria: ACMG Guidelines, 2015. Collection method: clinical testing. Allele origin: unknown.

Sema4
Classification: Likely pathogenic for Hereditary cancer-predisposing syndrome. Last evaluated: 2021-01-14. Review status: criteria provided, single submitter. Criteria: Sema4 Curation Guidelines. Collection method: curation. Allele origin: germline.
Comment: The BRIP1 c.55dupT (p.Y19LfsX2) variant has been reported in heterozygosity in at least 1 individuals with 3236 invasive Epithelial ovarian cancer (PMID: 26315354). This variant causes a frameshift at amino acid 19 that results in premature termination two amino acids downstream. At this location, this is predicted to cause nonsense-mediated decay and result in an absent protein (loss of function). This variant is not reported in the Genome Aggregation Database (PMID: 32461654). Based on the current evidence available, this variant is interpreted as likely pathogenic.

Literature cited by the submitters: PubMed 16116423 (cited by Labcorp Genetics (formerly Invitae), Labcorp); PubMed 17033622 (cited by Labcorp Genetics (formerly Invitae), Labcorp); PubMed 21964575 (cited by Labcorp Genetics (formerly Invitae), Labcorp); PubMed 26315354 (cited by 4 submitters); PubMed 31844177 (cited by Color Diagnostics, LLC DBA Color Health); PubMed 36833355 (cited by Color Diagnostics, LLC DBA Color Health).